The following is an entry in ClinVar:

NM_177402.5(SYT2):c.1238C>T (p.Ala413Val)

Gene: SYT2 (synaptotagmin 2; minus strand). Cytogenetic location: 1q32.1.
Variant type: single nucleotide variant.
Coding change: c.1238C>T on transcript NM_177402.5 (MANE Select); coding-DNA position 1238, C replaced by T.
Protein change: p.Ala413Val; replaces alanine 413 with valine.
Molecular consequence: missense variant.
Genome position (GRCh38, 1-based): chr1:202,596,779, G>A on the plus strand (C>T on the coding strand, the complement: SYT2 is on the minus strand). VCF-style: chr1-202596779-G-A. GRCh37 (hg19) VCF-style: chr1-202565907-G-A.
Other names: c.1238C>T, p.Ala413Val (NM_001136504.1); short protein forms A413V.
Identifiers: ClinVar variation 2639790 (VCV002639790.27), dbSNP rs142804180, ClinGen allele CA1333586.

ClinVar aggregate classification (germline): Conflicting classifications of pathogenicity. Review status: criteria provided, conflicting classifications (1 of 4 stars). 2 submissions from 2 submitters: Uncertain significance (1); Likely benign (1). Last evaluated 2026-01-26.

Allele frequency attached by ClinVar (database versions not stated): gnomAD 0.00007; gnomAD exomes 0.00009; TOPMed 0.00009; ExAC 0.00010; ESP Exome Variant Server 0.00015.
gnomAD v4.1: 152 of 1,613,920 alleles (0.0094%); highest among the groups gnomAD compares: Non-Finnish European, 0.011%; no homozygotes.

Submissions (2):

Labcorp Genetics (formerly Invitae), Labcorp
Classification: Uncertain significance. Last evaluated: 2026-01-26. Review status: criteria provided, single submitter. Criteria: Invitae Variant Classification Sherloc (09022015). Collection method: clinical testing. Allele origin: germline.
Comment: This sequence change replaces alanine, which is neutral and non-polar, with valine, which is neutral and non-polar, at codon 413 of the SYT2 protein (p.Ala413Val). This variant is present in population databases (rs142804180, gnomAD 0.02%). This variant has not been reported in the literature in individuals affected with SYT2-related conditions. ClinVar contains an entry for this variant (Variation ID: 2639790). An algorithm developed to predict the effect of missense changes on protein structure and function (PolyPhen-2) suggests that this variant is likely to be tolerated. In summary, the available evidence is currently insufficient to determine the role of this variant in disease. Therefore, it has been classified as a Variant of Uncertain Significance.

CeGaT Center for Human Genetics Tuebingen
Classification: Likely benign. Last evaluated: 2023-10-01. Review status: criteria provided, single submitter. Criteria: CeGaT Center For Human Genetics Tuebingen Variant Classification Criteria Version 2. Collection method: clinical testing. Allele origin: germline. Affected: yes. Observed: 1 variant allele.
Comment: SYT2: PP2, BS2